The following is an entry in ClinVar:

ClinVar aggregate classification (germline): Uncertain significance (1 of 4 stars; one submission).

Submission:

GeneDx
Classification: Uncertain significance. Last evaluated: 2023-05-22. Review status: criteria provided, single submitter. Criteria: GeneDx Variant Classification Process June 2021. Collection method: clinical testing. Allele origin: germline. Affected: yes.
Comment: Not observed at significant frequency in large population cohorts (gnomAD); In silico analysis is inconclusive as to whether the variant alters gene splicing. In the absence of RNA/functional studies, the actual effect of this sequence change is unknown.; Has not been previously published as pathogenic or benign to our knowledge

NM_001128840.3(CACNA1D):c.2752-12T>C

Gene: CACNA1D (calcium voltage-gated channel subunit alpha1 D; plus strand). Cytogenetic location: 3p21.1.
Variant type: single nucleotide variant.
Coding change: c.2752-12T>C on transcript NM_001128840.3 (MANE Select); 12 bases into the intron before coding-DNA position 2752, T replaced by C.
Molecular consequence: intron variant.
Genome position (GRCh38, 1-based): chr3:53,740,268, T>C. VCF-style: chr3-53740268-T-C. GRCh37 (hg19) VCF-style: chr3-53774295-T-C.
Other names: c.2752-12T>C (NM_001128839.3); c.2812-12T>C (NM_000720.4).
Identifiers: ClinVar variation 3343703 (VCV003343703.1).
Genomic context (GRCh38, chr3:53,740,268, plus strand): 5'-CTGCCTGTAAGCATGCAGATGTCAGAGTTTGTCTGAATTCCTTTTCTCACTCCCACATGT[T>C]GTGCCTTGCAGATACTGGGTTACTTTGACTATGCCTTCACAGCCATCTTTACTGTTGAGA-3'